The following is an entry in ClinVar:

NM_000062.3(SERPING1):c.686-12A>G

Gene: SERPING1 (serpin family G member 1; plus strand). Cytogenetic location: 11q12.1.
Variant type: single nucleotide variant.
Coding change: c.686-12A>G on transcript NM_000062.3 (MANE Select); 12 bases into the intron before coding-DNA position 686, A replaced by G.
Molecular consequence: intron variant.
Genome position (GRCh38, 1-based): chr11:57,605,998, A>G. VCF-style: chr11-57605998-A-G. GRCh37 (hg19) VCF-style: chr11-57373471-A-G.
Other names: c.686-12A>G (NM_001032295.2).
Identifiers: ClinVar variation 3242450 (VCV003242450.2), dbSNP rs2495440304.

ClinVar aggregate classification (germline): Pathogenic (1 of 4 stars; one submission).

Conditions:
Hereditary angioedema type 1 (HAE1). Identifiers: Orphanet 100050, Orphanet 100051, Orphanet 91378, MedGen C2717906, MONDO:0015053, OMIM 106100.

Submission:

DNA-diagnostics Laboratory, Research Centre For Medical Genetics
Classification: Pathogenic for Hereditary angioedema type 1. Last evaluated: 2024-06-15. Review status: criteria provided, single submitter. Criteria: ACMG Guidelines, 2015. Collection method: research. Allele origin: germline. Inheritance: Autosomal dominant inheritance. Affected: yes. Observed: 3 variant alleles, 3 heterozygotes.
Comment: According to our observation and the published information of Pappalardo et all, 2008, Grodecká et all, 2017, Ponard et all, 2020, the c.312dupA variant in SERPING1 meets ACMG/ClinGen SVI guidance criteria to be classified as pathogenic: PVS1, PP4_Str, PS3, PS4_Mod, PM2_Sup

Literature cited by the submitters: DOI 10.1002/humu.23917; PubMed 18586324; PubMed 28359783.